The following is an entry in ClinVar:

ClinVar aggregate classification (germline): Uncertain significance (1 of 4 stars; one submission).

Allele frequency attached by ClinVar (database versions not stated): gnomAD exomes below 0.00001; gnomAD 0.00005; TOPMed 0.00006.
gnomAD v4.1: 8 of 1,597,086 alleles (0.0005%); highest among the groups gnomAD compares: African/African-American, 0.011%; no homozygotes.

Submission:

GeneDx
Classification: Uncertain significance. Last evaluated: 2024-04-24. Review status: criteria provided, single submitter. Criteria: GeneDx Variant Classification Process June 2021. Collection method: clinical testing. Allele origin: germline. Affected: yes.
Comment: In silico analysis supports that this missense variant has a deleterious effect on protein structure/function; Has not been previously published as pathogenic or benign to our knowledge

NM_001039876.3(SYNE4):c.308A>G (p.Glu103Gly)

Gene: SYNE4 (spectrin repeat containing nuclear envelope family member 4; minus strand). Cytogenetic location: 19q13.12.
Variant type: single nucleotide variant.
Coding change: c.308A>G on transcript NM_001039876.3 (MANE Select); coding-DNA position 308, A replaced by G.
Protein change: p.Glu103Gly; replaces glutamic acid 103 with glycine.
Molecular consequence: missense variant. On other transcripts: intron variant (1).
Genome position (GRCh38, 1-based): chr19:36,007,240, T>C on the plus strand (A>G on the coding strand, the complement: SYNE4 is on the minus strand). VCF-style: chr19-36007240-T-C. GRCh37 (hg19) VCF-style: chr19-36498142-T-C.
Other names: c.280-569A>G (NM_001297735.3); short protein forms E103G.
Identifiers: ClinVar variation 1304583 (VCV001304583.3), dbSNP rs1036326758, ClinGen allele CA307816559.